The following is an entry in ClinVar:

ClinVar aggregate classification (germline): Likely benign (1 of 4 stars; one submission).

Submission:

CeGaT Center for Human Genetics Tuebingen
Classification: Likely benign. Last evaluated: 2022-12-01. Review status: criteria provided, single submitter. Criteria: CeGaT Center For Human Genetics Tuebingen Variant Classification Criteria Version 2. Collection method: clinical testing. Allele origin: germline. Affected: yes. Observed: 1 variant allele.
Comment: AHNAK2: BP4, BP7

NM_138420.4(AHNAK2):c.2241C>T (p.Pro747=)

Gene: AHNAK2 (AHNAK nucleoprotein 2; minus strand). Cytogenetic location: 14q32.33.
Variant type: single nucleotide variant.
Coding change: c.2241C>T on transcript NM_138420.4 (MANE Select); coding-DNA position 2241, C replaced by T.
Protein change: p.Pro747=; no amino-acid change (proline 747 retained).
Molecular consequence: synonymous variant.
Genome position (GRCh38, 1-based): chr14:104,953,210, G>A on the plus strand (C>T on the coding strand, the complement: AHNAK2 is on the minus strand). VCF-style: chr14-104953210-G-A. GRCh37 (hg19) VCF-style: chr14-105419547-G-A.
Other names: c.1941C>T, p.Pro647= (NM_001350929.2).
Identifiers: ClinVar variation 2644883 (VCV002644883.24), dbSNP rs372747477, ClinGen allele CA7383580.